The following is an entry in ClinVar:

ClinVar aggregate classification (germline): Uncertain significance. Review status: criteria provided, multiple submitters, no conflicts (2 of 4 stars). 2 submissions from 2 submitters: Uncertain significance (2). Last evaluated 2026-08-04.

Conditions:
SEMA3E-related disorder. Also called: SEMA3E-related condition.
CHARGE syndrome (CHARGE). Also called: Hittner Hirsch Kreh syndrome; Coloboma, heart anomaly, choanal atresia, retardation, genital and ear anomalies; CHARGE association; Hall-Hittner syndrome; CHARGE ASSOCIATION--COLOBOMA, HEART ANOMALY, CHOANAL ATRESIA, RETARDATION, GENITAL AND EAR ANOMALIES. Identifiers: Orphanet 138, MedGen C0265354, MONDO:0008965.

Allele frequency attached by ClinVar (database versions not stated): gnomAD exomes below 0.00001 and 0.00001; ExAC 0.00001; gnomAD 0.00001.
gnomAD v4.1: 14 of 1,613,902 alleles (0.00087%); highest among the groups gnomAD compares: African/African-American, 0.015%; no homozygotes.

Submissions (2):

PreventionGenetics, part of Exact Sciences
Classification: Uncertain significance for SEMA3E-related condition. Last evaluated: 2026-08-04. Review status: criteria provided, single submitter. Criteria: ACMG Guidelines, 2015. Collection method: clinical testing. Allele origin: germline.
Comment: The SEMA3E c.1309G>A variant is predicted to result in the amino acid substitution p.Ala437Thr. To our knowledge, this variant has not been reported in the literature. This variant is reported in 0.00088% of alleles in individuals of European (Non-Finnish) descent in gnomAD. At this time, the clinical significance of this variant is uncertain due to the absence of conclusive functional and genetic evidence.

Labcorp Genetics (formerly Invitae), Labcorp
Classification: Uncertain significance for CHARGE syndrome. Last evaluated: 2024-08-05. Review status: criteria provided, single submitter. Criteria: Invitae Variant Classification Sherloc (09022015). Collection method: clinical testing. Allele origin: germline.
Comment: This sequence change replaces alanine, which is neutral and non-polar, with threonine, which is neutral and polar, at codon 437 of the SEMA3E protein (p.Ala437Thr). This variant is present in population databases (rs781593656, gnomAD 0.0009%). This variant has not been reported in the literature in individuals affected with SEMA3E-related conditions. ClinVar contains an entry for this variant (Variation ID: 968957). Advanced modeling of protein sequence and biophysical properties (such as structural, functional, and spatial information, amino acid conservation, physicochemical variation, residue mobility, and thermodynamic stability) performed at Invitae indicates that this missense variant is not expected to disrupt SEMA3E protein function with a negative predictive value of 80%. In summary, the available evidence is currently insufficient to determine the role of this variant in disease. Therefore, it has been classified as a Variant of Uncertain Significance.

NM_012431.3(SEMA3E):c.1309G>A (p.Ala437Thr)

Gene: SEMA3E (semaphorin 3E; minus strand). Cytogenetic location: 7q21.11.
Variant type: single nucleotide variant.
Coding change: c.1309G>A on transcript NM_012431.3 (MANE Select); coding-DNA position 1309, G replaced by A.
Protein change: p.Ala437Thr; replaces alanine 437 with threonine.
Molecular consequence: missense variant.
Genome position (GRCh38, 1-based): chr7:83,400,085, C>T on the plus strand (G>A on the coding strand, the complement: SEMA3E is on the minus strand). VCF-style: chr7-83400085-C-T. GRCh37 (hg19) VCF-style: chr7-83029401-C-T.
Other names: c.1129G>A, p.Ala377Thr (NM_001178129.2); short protein forms A377T, A437T.
Identifiers: ClinVar variation 968957 (VCV000968957.8), dbSNP rs781593656, ClinGen allele CA4322071.